The following is an entry in ClinVar:

ClinVar aggregate classification (germline): Uncertain significance. Review status: criteria provided, multiple submitters, no conflicts (2 of 4 stars). 8 submissions from 5 submitters: Uncertain significance (8). Last evaluated 2025-12-03.

Conditions:
Basal laminar drusen. Also called: DRUSEN OF BRUCH MEMBRANE; DRUSEN, CUTICULAR; DRUSEN, EARLY ADULT-ONSET, GROUPED. Identifiers: Orphanet 75376, MedGen C0730295, MONDO:0007472, OMIM 126700.
Factor H deficiency (CFHD). Also called: COMPLEMENT FACTOR H DEFICIENCY; CFH DEFICIENCY. Identifiers: Orphanet 200421, MedGen C0398777, MONDO:0012350, OMIM 609814.
Hemolytic uremic syndrome, atypical, susceptibility to, 1. Also called: AHUS, SUSCEPTIBILITY TO, 1. Identifiers: Orphanet 2134, Orphanet 90038, MedGen C2749604, MONDO:0009335, OMIM 235400. Disease mechanism: Other.
Atypical hemolytic-uremic syndrome. Identifiers: Orphanet 2134, MedGen C2931788, MONDO:0016244.
Age related macular degeneration 4. Identifiers: MedGen C1853147, MONDO:0012540, OMIM 610698.

Allele frequency attached by ClinVar (database versions not stated): ExAC 0.00009; gnomAD exomes 0.00009 and 0.00010; gnomAD 0.00010; TOPMed 0.00013; ESP Exome Variant Server 0.00015.
gnomAD v4.1: 166 of 1,583,112 alleles (0.01%); highest among the groups gnomAD compares: Middle Eastern, 0.017%; no homozygotes.

Submissions (8):

Labcorp Genetics (formerly Invitae), Labcorp
Classification: Uncertain significance. Last evaluated: 2025-12-03. Review status: criteria provided, single submitter. Criteria: Invitae Variant Classification Sherloc (09022015). Collection method: clinical testing. Allele origin: germline.
Comment: This sequence change replaces histidine, which is basic and polar, with tyrosine, which is neutral and polar, at codon 821 of the CFH protein (p.His821Tyr). This variant is present in population databases (rs367687415, gnomAD 0.02%). This variant has not been reported in the literature in individuals affected with CFH-related conditions. ClinVar contains an entry for this variant (Variation ID: 625916). An algorithm developed to predict the effect of missense changes on protein structure and function (PolyPhen-2) suggests that this variant is likely to be tolerated. Experimental studies have shown that this missense change does not substantially affect CFH function (PMID: 34189567). In summary, the available evidence is currently insufficient to determine the role of this variant in disease. Therefore, it has been classified as a Variant of Uncertain Significance.

Genomenon, Inc
Classification: Uncertain significance for Atypical hemolytic-uremic syndrome. Last evaluated: 2025-10-02. Review status: criteria provided, single submitter. Criteria: Genomenon Sequence Variant Interpretation Standards - Updated. Collection method: curation. Allele origin: germline. Affected: yes.
Comment: CFH p.His821Tyr (c.2461C>T) is a missense variant that changes the amino acid at residue 821 from Histidine to Tyrosine. This variant has been observed in at least one proband affected with atypical hemolytic-uremic syndrome (PMID:30890598). Functional studies have been reported (PMID:34189567). It is absent or not present at a significant frequency in gnomAD. In silico models agree that this variant is not damaging. In conclusion, we classify CFH p.His821Tyr (c.2461C>T) as a variant of uncertain significance.

Fulgent Genetics
Classification: Uncertain significance for Basal laminar drusen; Hemolytic uremic syndrome, atypical, susceptibility to, 1; Factor H deficiency; Age related macular degeneration 4. Last evaluated: 2024-01-05. Review status: criteria provided, single submitter. Criteria: ACMG Guidelines, 2015. Collection method: clinical testing. Allele origin: germline.

Genome-Nilou Lab
Classification: Uncertain significance for Hemolytic uremic syndrome, atypical, susceptibility to, 1. Last evaluated: 2023-04-11. Review status: criteria provided, single submitter. Criteria: ACMG Guidelines, 2015. Collection method: clinical testing. Allele origin: germline. Affected: no.

Genome-Nilou Lab
Classification: Uncertain significance for Age related macular degeneration 4. Last evaluated: 2023-04-11. Review status: criteria provided, single submitter. Criteria: ACMG Guidelines, 2015. Collection method: clinical testing. Allele origin: germline. Affected: no.

Genome-Nilou Lab
Classification: Uncertain significance for Basal laminar drusen. Last evaluated: 2023-04-11. Review status: criteria provided, single submitter. Criteria: ACMG Guidelines, 2015. Collection method: clinical testing. Allele origin: germline. Affected: no.

Genome-Nilou Lab
Classification: Uncertain significance for Factor H deficiency. Last evaluated: 2023-04-11. Review status: criteria provided, single submitter. Criteria: ACMG Guidelines, 2015. Collection method: clinical testing. Allele origin: germline. Affected: no.

Center for Genomics, Ann and Robert H. Lurie Children's Hospital of Chicago
Classification: Uncertain significance for Age related macular degeneration 4; Basal laminar drusen; Factor H deficiency; Hemolytic uremic syndrome, atypical, susceptibility to, 1. Review status: criteria provided, single submitter. Criteria: ACMG Guidelines, 2015. Collection method: clinical testing. Allele origin: germline.
Comment: CFH NM_00186.3 exon 16 p.His821Tyr (c.2461C>T):This variant has not been reported in the literature but is present in 21/124102 European alleles in the Genome Aggregation Database. Evolutionary conservation and computational predictive tools suggest that this variant may not impact the protein. In summary, data on this variant is insufficient for disease classification. Therefore, the clinical significance of this variant is uncertain.

Literature cited by the submitters: PubMed 34189567 (cited by Labcorp Genetics (formerly Invitae), Labcorp and Genomenon, Inc); PubMed 30890598 (cited by Genomenon, Inc).

NM_000186.4(CFH):c.2461C>T (p.His821Tyr)

Gene: CFH (complement factor H; plus strand). Cytogenetic location: 1q31.3.
Variant type: single nucleotide variant.
Coding change: c.2461C>T on transcript NM_000186.4 (MANE Select); coding-DNA position 2461, C replaced by T.
Protein change: p.His821Tyr; replaces histidine 821 with tyrosine.
Molecular consequence: missense variant.
Genome position (GRCh38, 1-based): chr1:196,736,871, C>T. VCF-style: chr1-196736871-C-T. GRCh37 (hg19) VCF-style: chr1-196706001-C-T.
Other names: short protein forms H821Y.
Identifiers: ClinVar variation 625916 (VCV000625916.11), dbSNP rs367687415, ClinGen allele CA1305671.